The following is an entry in ClinVar:

ClinVar aggregate classification (germline): Benign (0 of 4 stars; one submission).

Conditions:
BRWD1-related disorder. Also called: BRWD1-related condition.

Allele frequency attached by ClinVar (database versions not stated): gnomAD exomes 0.00036; ExAC 0.00133; gnomAD 0.00394; TOPMed 0.00442; ESP Exome Variant Server 0.00492; 1000 Genomes Project 0.00639; 1000 Genomes Project 30x 0.00687.
gnomAD v4.1: 1,132 of 1,613,362 alleles (0.07%); highest among the groups gnomAD compares: African/African-American, 1.4%; 15 homozygotes.

Submission:

PreventionGenetics, part of Exact Sciences
Classification: Benign for BRWD1-related condition. Last evaluated: 2019-04-11. Review status: no assertion criteria provided. Collection method: clinical testing. Allele origin: germline.
Comment: This variant is classified as benign based on ACMG/AMP sequence variant interpretation guidelines (Richards et al. 2015 PMID: 25741868, with internal and published modifications).

NM_033656.4(BRWD1):c.2010G>A (p.Met670Ile)

Gene: BRWD1 (bromodomain and WD repeat domain containing 1; minus strand). Cytogenetic location: 21q22.2.
Variant type: single nucleotide variant.
Coding change: c.2010G>A on transcript NM_033656.4 (MANE Select); coding-DNA position 2010, G replaced by A.
Protein change: p.Met670Ile; replaces methionine 670 with isoleucine.
Molecular consequence: missense variant.
Genome position (GRCh38, 1-based): chr21:39,258,548, C>T on the plus strand (G>A on the coding strand, the complement: BRWD1 is on the minus strand). VCF-style: chr21-39258548-C-T. GRCh37 (hg19) VCF-style: chr21-40630474-C-T.
Other names: c.2010G>A, p.Met670Ile (NM_018963.5); short protein forms M670I.
Identifiers: ClinVar variation 3056680 (VCV003056680.2), dbSNP rs73359523, ClinGen allele CA10027342.